The following is an entry in ClinVar:

NM_000434.4(NEU1):c.184C>T (p.Gln62Ter)

Gene: NEU1 (neuraminidase 1; minus strand). Cytogenetic location: 6p21.33.
Variant type: single nucleotide variant.
Coding change: c.184C>T on transcript NM_000434.4 (MANE Select); coding-DNA position 184, C replaced by T.
Protein change: p.Gln62Ter; replaces glutamine 62 with a stop codon.
Molecular consequence: nonsense.
Genome position (GRCh38, 1-based): chr6:31,862,167, G>A on the plus strand (C>T on the coding strand, the complement: NEU1 is on the minus strand). VCF-style: chr6-31862167-G-A. GRCh37 (hg19) VCF-style: chr6-31829944-G-A.
Other names: short protein forms Q62*.
Identifiers: ClinVar variation 937311 (VCV000937311.7), dbSNP rs1762546257, ClinGen allele CA363496758.

ClinVar aggregate classification (germline): Pathogenic (1 of 4 stars; one submission).

Submission:

Labcorp Genetics (formerly Invitae), Labcorp
Classification: Pathogenic. Last evaluated: 2019-09-25. Review status: criteria provided, single submitter. Criteria: Invitae Variant Classification Sherloc (09022015). Collection method: clinical testing. Allele origin: germline.
Comment: This variant has not been reported in the literature in individuals with NEU1-related conditions. This variant is not present in population databases (ExAC no frequency). This sequence change creates a premature translational stop signal (p.Gln62*) in the NEU1 gene. It is expected to result in an absent or disrupted protein product. Algorithms developed to predict the effect of sequence changes on RNA splicing suggest that this variant may create or strengthen a splice site, but this prediction has not been confirmed by published transcriptional studies. Loss-of-function variants in NEU1 are known to be pathogenic (PMID: 11063730, 14517945). For these reasons, this variant has been classified as Pathogenic.

Literature cited by the submitters: PubMed 11063730; PubMed 14517945.